The following is an entry in ClinVar:

NM_012433.4(SF3B1):c.549C>T (p.Val183=)

Gene: SF3B1 (splicing factor 3b subunit 1; minus strand). Cytogenetic location: 2q33.1.
Variant type: single nucleotide variant.
Coding change: c.549C>T on transcript NM_012433.4 (MANE Select); coding-DNA position 549, C replaced by T.
Protein change: p.Val183=; no amino-acid change (valine 183 retained).
Molecular consequence: synonymous variant.
Genome position (GRCh38, 1-based): chr2:197,416,858, G>A on the plus strand (C>T on the coding strand, the complement: SF3B1 is on the minus strand). VCF-style: chr2-197416858-G-A. GRCh37 (hg19) VCF-style: chr2-198281582-G-A.
Identifiers: ClinVar variation 4872635 (VCV004872635.2).

ClinVar aggregate classification (germline): Likely benign (1 of 4 stars; one submission).

gnomAD v4.1: 467 of 1,613,730 alleles (0.029%); highest among the groups gnomAD compares: Non-Finnish European, 0.034%; 1 homozygote.

Submission:

CeGaT Center for Human Genetics Tuebingen
Classification: Likely benign. Last evaluated: 2026-05-01. Review status: criteria provided, single submitter. Criteria: CeGaT Center For Human Genetics Tuebingen Variant Classification Criteria Version 2. Collection method: clinical testing. Allele origin: germline. Affected: yes. Observed: 1 variant allele.
Comment: SF3B1: BP4, BP7